The following is an entry in ClinVar:

NM_024079.5(ALG8):c.337A>G (p.Met113Val)

Gene: ALG8 (ALG8 alpha-1,3-glucosyltransferase; minus strand). Cytogenetic location: 11q14.1.
Variant type: single nucleotide variant.
Coding change: c.337A>G on transcript NM_024079.5 (MANE Select); coding-DNA position 337, A replaced by G.
Protein change: p.Met113Val; replaces methionine 113 with valine.
Molecular consequence: missense variant.
Genome position (GRCh38, 1-based): chr11:78,124,052, T>C on the plus strand (A>G on the coding strand, the complement: ALG8 is on the minus strand). VCF-style: chr11-78124052-T-C. GRCh37 (hg19) VCF-style: chr11-77835098-T-C.
Other names: c.337A>G, p.Met113Val (NM_001007027.3); short protein forms M113V.
Identifiers: ClinVar variation 882745 (VCV000882745.9), dbSNP rs140499974, ClinGen allele CA6203536.

ClinVar aggregate classification (germline): Uncertain significance. Review status: criteria provided, multiple submitters, no conflicts (2 of 4 stars). 4 submissions from 4 submitters: Uncertain significance (4). Last evaluated 2026-01-03.

Conditions:
ALG8 congenital disorder of glycosylation. Also called: CDG Ih; ALG8-CDG; CONGENITAL DISORDER OF GLYCOSYLATION, TYPE Ih. Identifiers: Orphanet 79325, MedGen C2931002, MONDO:0011969, OMIM 608104.
Inborn genetic diseases. Identifiers: MedGen C0950123, MeSH D030342.
Polycystic liver disease 3 with or without kidney cysts. Identifiers: MedGen C4693472, MONDO:0054743, OMIM 617874.

Allele frequency attached by ClinVar (database versions not stated): ExAC 0.00002; gnomAD exomes 0.00002 and 0.00003; TOPMed 0.00002; gnomAD 0.00004; ESP Exome Variant Server 0.00008.

Submissions (4):

Labcorp Genetics (formerly Invitae), Labcorp
Classification: Uncertain significance for ALG8 congenital disorder of glycosylation. Last evaluated: 2026-01-03. Review status: criteria provided, single submitter. Criteria: Invitae Variant Classification Sherloc (09022015). Collection method: clinical testing. Allele origin: germline.
Comment: This sequence change replaces methionine, which is neutral and non-polar, with valine, which is neutral and non-polar, at codon 113 of the ALG8 protein (p.Met113Val). This variant is present in population databases (rs140499974, gnomAD 0.005%). This variant has not been reported in the literature in individuals affected with ALG8-related conditions. ClinVar contains an entry for this variant (Variation ID: 882745). Invitae Evidence Modeling of protein sequence and biophysical properties (such as structural, functional, and spatial information, amino acid conservation, physicochemical variation, residue mobility, and thermodynamic stability) indicates that this missense variant is not expected to disrupt ALG8 protein function with a negative predictive value of 80%. In summary, the available evidence is currently insufficient to determine the role of this variant in disease. Therefore, it has been classified as a Variant of Uncertain Significance.

Ambry Genetics
Classification: Uncertain significance for Inborn genetic diseases. Last evaluated: 2025-08-31. Review status: criteria provided, single submitter. Criteria: Ambry Variant Classification Scheme 2023. Collection method: clinical testing. Allele origin: germline.

Fulgent Genetics
Classification: Uncertain significance for ALG8 congenital disorder of glycosylation; Polycystic liver disease 3 with or without kidney cysts. Last evaluated: 2022-04-04. Review status: criteria provided, single submitter. Criteria: ACMG Guidelines, 2015. Collection method: clinical testing. Allele origin: unknown.

Illumina Laboratory Services, Illumina
Classification: Uncertain significance for ALG8 congenital disorder of glycosylation. Last evaluated: 2018-01-13. Review status: criteria provided, single submitter. Criteria: ICSL Variant Classification Criteria 13 December 2019. Collection method: clinical testing. Allele origin: germline.